The following is an entry in ClinVar:

ClinVar aggregate classification (germline): Uncertain significance (1 of 4 stars; one submission).

Submission:

GeneDx
Classification: Uncertain significance. Last evaluated: 2022-10-27. Review status: criteria provided, single submitter. Criteria: GeneDx Variant Classification Process June 2021. Collection method: clinical testing. Allele origin: germline. Affected: yes.
Comment: Not observed at significant frequency in large population cohorts (gnomAD); In silico analysis supports that this missense variant has a deleterious effect on protein structure/function; Has not been previously published as pathogenic or benign to our knowledge

NM_000827.4(GRIA1):c.1087A>T (p.Asn363Tyr)

Gene: GRIA1 (glutamate ionotropic receptor AMPA type subunit 1; plus strand). Cytogenetic location: 5q33.2.
Variant type: single nucleotide variant.
Coding change: c.1087A>T on transcript NM_000827.4 (MANE Select); coding-DNA position 1087, A replaced by T.
Protein change: p.Asn363Tyr; replaces asparagine 363 with tyrosine.
Molecular consequence: missense variant. On other transcripts: non-coding transcript variant (2).
Genome position (GRCh38, 1-based): chr5:153,686,282, A>T. VCF-style: chr5-153686282-A-T. GRCh37 (hg19) VCF-style: chr5-153065842-A-T.
Other names: c.1087A>T, p.Asn363Tyr (NM_001114183.2); c.847A>T, p.Asn283Tyr (NM_001258019.2); c.802A>T, p.Asn268Tyr (NM_001258020.2); c.1117A>T, p.Asn373Tyr (NM_001258021.2, NM_001258022.2); c.880A>T, p.Asn294Tyr (NM_001258023.1, NM_001364167.2); c.919A>T, p.Asn307Tyr (NM_001364165.2); c.1114A>T, p.Asn372Tyr (NM_001364166.2); short protein forms N268Y, N283Y, N294Y, N307Y, N363Y, N372Y, N373Y.
Identifiers: ClinVar variation 2500422 (VCV002500422.1), dbSNP rs2480321317, ClinGen allele CA361903637.
Genomic context (GRCh38, chr5:153,686,282, plus strand): 5'-CAGGTGCGATTTGAAGGTTTAACAGGAAACGTGCAGTTTAATGAGAAAGGACGCCGGACC[A>T]ACTACACGCTCCACGTGATTGAAATGAAACATGACGGCATCCGAAAGGTAAGGTCCCCCT-3'
Protein context (NP_000818.2, residues 353-373): VQFNEKGRRT[Asn363Tyr]YTLHVIEMKH